The following is an entry in ClinVar:

ClinVar aggregate classification (germline): Uncertain significance (1 of 4 stars; one submission).

Conditions:
Mitochondrial complex II deficiency, nuclear type 1. Also called: SUCCINATE CoQ REDUCTASE DEFICIENCY. Identifiers: Orphanet 3208, MedGen C5700310, MONDO:0100294, OMIM 252011.
Pheochromocytoma/paraganglioma syndrome 5. Also called: Paragangliomas 5; SDHA-Related Hereditary Paraganglioma-Pheochromocytoma Syndrome. Identifiers: Orphanet 29072, MedGen C3279992, MONDO:0013602, OMIM 614165.

Submission:

Labcorp Genetics (formerly Invitae), Labcorp
Classification: Uncertain significance for Pheochromocytoma/paraganglioma syndrome 5; Mitochondrial complex II deficiency, nuclear type 1. Last evaluated: 2019-08-16. Review status: criteria provided, single submitter. Criteria: Invitae Variant Classification Sherloc (09022015). Collection method: clinical testing. Allele origin: germline.
Comment: This sequence change replaces phenylalanine with leucine at codon 390 of the SDHA protein (p.Phe390Leu). The phenylalanine residue is highly conserved and there is a small physicochemical difference between phenylalanine and leucine. This variant is not present in population databases (ExAC no frequency). This variant has not been reported in the literature in individuals with SDHA-related conditions. Algorithms developed to predict the effect of missense changes on protein structure and function are either unavailable or do not agree on the potential impact of this missense change (SIFT: "Deleterious"; PolyPhen-2: "Probably Damaging"; Align-GVGD: "Class C15"). In summary, the available evidence is currently insufficient to determine the role of this variant in disease. Therefore, it has been classified as a Variant of Uncertain Significance.

NM_004168.4(SDHA):c.1170C>A (p.Phe390Leu)

Gene: SDHA (succinate dehydrogenase complex flavoprotein subunit A; plus strand). Cytogenetic location: 5p15.33.
Variant type: single nucleotide variant.
Coding change: c.1170C>A on transcript NM_004168.4 (MANE Select); coding-DNA position 1170, C replaced by A.
Protein change: p.Phe390Leu; replaces phenylalanine 390 with leucine.
Molecular consequence: missense variant.
Genome position (GRCh38, 1-based): chr5:235,249, C>A. VCF-style: chr5-235249-C-A. GRCh37 (hg19) VCF-style: chr5-235364-C-A.
Other names: c.1026C>A, p.Phe342Leu (NM_001294332.2); c.1170C>A, p.Phe390Leu (NM_001330758.2); short protein forms F390L, F342L.
Identifiers: ClinVar variation 954772 (VCV000954772.10), dbSNP rs35277230, ClinGen allele CA359013597.